The following is an entry in ClinVar:

NM_014283.5(SUCO):c.3611G>A (p.Arg1204Gln)

Gene: SUCO (SUN domain containing ossification factor; plus strand). Cytogenetic location: 1q24.3.
Variant type: single nucleotide variant.
Coding change: c.3611G>A on transcript NM_014283.5 (MANE Select); coding-DNA position 3611, G replaced by A.
Protein change: p.Arg1204Gln; replaces arginine 1204 with glutamine.
Molecular consequence: missense variant.
Genome position (GRCh38, 1-based): chr1:172,610,105, G>A. VCF-style: chr1-172610105-G-A. GRCh37 (hg19) VCF-style: chr1-172579245-G-A.
Other names: c.2498G>A, p.Arg833Gln (NM_001282750.2); c.1922G>A, p.Arg641Gln (NM_001282751.2); c.4064G>A, p.Arg1355Gln (NM_016227.4); short protein forms R1204Q, R641Q, R1355Q, R833Q.
Identifiers: ClinVar variation 1433534 (VCV001433534.8), dbSNP rs772243543, ClinGen allele CA1247382.

ClinVar aggregate classification (germline): Uncertain significance (1 of 4 stars; one submission).

Allele frequency attached by ClinVar (database versions not stated): gnomAD exomes 0.00001; ExAC 0.00002; TOPMed 0.00002.

Submission:

Labcorp Genetics (formerly Invitae), Labcorp
Classification: Uncertain significance. Last evaluated: 2025-11-17. Review status: criteria provided, single submitter. Criteria: Invitae Variant Classification Sherloc (09022015). Collection method: clinical testing. Allele origin: germline.
Comment: This sequence change replaces arginine, which is basic and polar, with glutamine, which is neutral and polar, at codon 1204 of the SUCO protein (p.Arg1204Gln). This variant is present in population databases (rs772243543, gnomAD 0.003%). This variant has not been reported in the literature in individuals affected with SUCO-related conditions. ClinVar contains an entry for this variant (Variation ID: 1433534). An algorithm developed to predict the effect of missense changes on protein structure and function (PolyPhen-2) suggests that this variant is likely to be disruptive. In summary, the available evidence is currently insufficient to determine the role of this variant in disease. Therefore, it has been classified as a Variant of Uncertain Significance.